The following is an entry in ClinVar:

ClinVar aggregate classification (germline): Uncertain significance (1 of 4 stars; one submission).

Conditions:
Dilated cardiomyopathy 1J (CMD1J). Also called: CARDIOMYOPATHY, DILATED, WITH SENSORINEURAL HEARING LOSS, AUTOSOMAL DOMINANT. Identifiers: Orphanet 217622, MedGen C1854368, MONDO:0011541, OMIM 605362.

Submission:

Labcorp Genetics (formerly Invitae), Labcorp
Classification: Uncertain significance for Dilated cardiomyopathy 1J. Last evaluated: 2025-02-26. Review status: criteria provided, single submitter. Criteria: Invitae Variant Classification Sherloc (09022015). Collection method: clinical testing. Allele origin: germline.
Comment: This variant, c.99_101dup, results in the insertion of 1 amino acid(s) of the EYA4 protein (p.Gln33_Asp34insGlu), but otherwise preserves the integrity of the reading frame. This variant is not present in population databases (gnomAD no frequency). This variant has not been reported in the literature in individuals affected with EYA4-related conditions. In summary, the available evidence is currently insufficient to determine the role of this variant in disease. Therefore, it has been classified as a Variant of Uncertain Significance.

NM_004100.5(EYA4):c.99_101dup (p.Gln33_Asp34insGlu)

Gene: EYA4 (EYA transcriptional coactivator and phosphatase 4; plus strand). Cytogenetic location: 6q23.2.
Variant type: Duplication.
Coding change: c.99_101dup on transcript NM_004100.5 (MANE Select); coding-DNA positions 99 to 101, 3 bases duplicated (GGA; older notation c.99_101dupGGA).
Protein change: p.Gln33_Asp34insGlu.
Molecular consequence: inframe insertion.
Genome position (GRCh38, 1-based): chr6:133,446,645-133,446,647, GGA duplicated; duplicating any 3 consecutive bases within chr6:133,446,644-133,446,647 gives the same sequence; the c. name uses the placement nearest the transcript's 3' end. VCF-style (leftmost placement, unchanged base first): chr6-133446643-C-CAGG. GRCh37 (hg19) VCF-style: chr6-133767781-C-CAGG.
Other names: c.99_101dup, p.Gln33_Asp34insGlu (NM_001301012.2, NM_001301013.2, NM_001370458.1 and 3 more transcripts).
Identifiers: ClinVar variation 4713901 (VCV004713901.1).
Genomic context (GRCh38, chr6:133,446,643, plus strand): 5'-TAACTGCTGCAATTTCAACTTTTCTCTGCTGCTTACTGCTCTACCAGGTCTATGGAAATG[C>CAGG]AGGACCTAGCAAGTCCTCATACTCTTGTTGGAGGTGGTGATACTCCAGGTAGCTCCAAAC-3'